The following is an entry in ClinVar:

NM_024996.7(GFM1):c.829dup (p.Ser277fs)

Gene: GFM1 (G elongation factor mitochondrial 1; plus strand). Cytogenetic location: 3q25.32.
Variant type: Duplication.
Coding change: c.829dup on transcript NM_024996.7 (MANE Select); coding-DNA position 829, one base duplicated (T; older notation c.829dupT).
Protein change: p.Ser277fs; shifts the reading frame from serine 277.
Molecular consequence: frameshift variant. On other transcripts: non-coding transcript variant (4).
Genome position (GRCh38, 1-based): chr3:158,652,235, T duplicated; the last of 3 consecutive T bases (chr3:158,652,233-158,652,235); duplicating any one gives the same sequence. VCF-style (leftmost placement, unchanged base first): chr3-158652232-A-AT. GRCh37 (hg19) VCF-style: chr3-158370021-A-AT.
Other names: c.886dup, p.Ser296fs (NM_001308164.2, NM_001374355.1); c.829dup, p.Ser277fs (NM_001308166.2); c.712dup, p.Ser238fs (NM_001374356.1); c.604dup, p.Ser202fs (NM_001374357.1); c.370dup, p.Ser124fs (NM_001374358.1); c.262dup, p.Ser88fs (NM_001374359.1, NM_001374360.1); c.145dup, p.Ser49fs (NM_001374361.1); c.829dupT (NM_024996.5); short protein forms S296fs, S277fs, S124fs, S202fs, S238fs, S49fs, S88fs.
Identifiers: ClinVar variation 374695 (VCV000374695.63), dbSNP rs771865940, ClinGen allele CA2682429.

ClinVar aggregate classification (germline): Conflicting classifications of pathogenicity. Review status: criteria provided, conflicting classifications (1 of 4 stars). 7 submissions from 7 submitters: Pathogenic (1); Likely pathogenic (5); Uncertain significance (1). Last evaluated 2026-01-22.

Conditions:
GFM1-related disorders.
Hepatoencephalopathy due to combined oxidative phosphorylation defect type 1. Also called: HEPATOENCEPHALOPATHY, EARLY FATAL PROGRESSIVE. Identifiers: Orphanet 137681, MedGen C1836797, MONDO:0012191, OMIM 609060.

Submissions (7):

Natera, Inc.
Classification: Likely pathogenic for Combined oxidative phosphorylation deficiency 1. Last evaluated: 2026-01-22. Review status: criteria provided, single submitter. Criteria: Natera Variant Classification Schema (03/2026). Collection method: clinical testing. Allele origin: germline.
Comment: The c.829dupT variant in GFM1 is a frameshift variant predicted to shift the reading frame beginning at codon 277 and leads to a stop codon 2 codons downstream. This variant is expected to result in nonsense mediated decay, truncation, or a dysfunctional protein product. This variant is rare in the general population with a frequency below the threshold expected for the associated phenotype(s). Given the available evidence, this variant is classified as Likely Pathogenic.

Labcorp Genetics (formerly Invitae), Labcorp
Classification: Pathogenic. Last evaluated: 2025-08-15. Review status: criteria provided, single submitter. Criteria: Invitae Variant Classification Sherloc (09022015). Collection method: clinical testing. Allele origin: germline.
Comment: This sequence change creates a premature translational stop signal (p.Ser277Phefs*2) in the GFM1 gene. It is expected to result in an absent or disrupted protein product. Loss-of-function variants in GFM1 are known to be pathogenic (PMID: 16632485, 17160893). This variant is present in population databases (rs771865940, gnomAD 0.004%). This variant has not been reported in the literature in individuals affected with GFM1-related conditions. ClinVar contains an entry for this variant (Variation ID: 374695). For these reasons, this variant has been classified as Pathogenic.

Blueprint Genetics
Classification: Likely pathogenic for GFM1-related disorders. Last evaluated: 2024-10-25. Review status: criteria provided, single submitter. Criteria: ACMG Guidelines, 2015. Collection method: clinical testing. Allele origin: germline. Affected: yes. Observed: 5 variant alleles.

Revvity Omics, Revvity
Classification: Likely pathogenic for Hepatoencephalopathy due to combined oxidative phosphorylation defect type 1. Last evaluated: 2024-09-23. Review status: criteria provided, single submitter. Criteria: ACMG Guidelines, 2015. Collection method: clinical testing. Allele origin: germline.

Fulgent Genetics
Classification: Likely pathogenic for Hepatoencephalopathy due to combined oxidative phosphorylation defect type 1. Last evaluated: 2023-12-30. Review status: criteria provided, single submitter. Criteria: ACMG Guidelines, 2015. Collection method: clinical testing. Allele origin: germline.

Centre for Mendelian Genomics, University Medical Centre Ljubljana
Classification: Likely pathogenic for Hepatoencephalopathy due to combined oxidative phosphorylation defect type 1. Last evaluated: 2019-08-29. Review status: criteria provided, single submitter. Criteria: ACMG Guidelines, 2015. Collection method: clinical testing. Allele origin: unknown. Affected: yes.
Comment: This variant was classified as: Likely pathogenic. The following ACMG criteria were applied in classifying this variant: PVS1,PM2.

CeGaT Center for Human Genetics Tuebingen
Classification: Uncertain significance. Last evaluated: 2016-07-01. Review status: criteria provided, single submitter. Criteria: CeGaT Center For Human Genetics Tuebingen Variant Classification Criteria Version 2. Collection method: clinical testing. Allele origin: germline. Affected: yes. Observed: 1 variant allele.

Literature cited by the submitters: PubMed 16632485 (cited by Labcorp Genetics (formerly Invitae), Labcorp); PubMed 17160893 (cited by Labcorp Genetics (formerly Invitae), Labcorp).